The following is an entry in ClinVar:

ClinVar aggregate classification (germline): Pathogenic (1 of 4 stars; one submission).

Conditions:
Hereditary cancer-predisposing syndrome. Also called: Neoplastic Syndromes, Hereditary; Tumor predisposition; Hereditary Cancer Syndrome; Hereditary neoplastic syndrome. Identifiers: Orphanet 140162, MedGen C0027672, MeSH D009386, MONDO:0015356.

Submission:

Ambry Genetics
Classification: Pathogenic for Hereditary cancer-predisposing syndrome. Last evaluated: 2024-10-08. Review status: criteria provided, single submitter. Criteria: Ambry Variant Classification Scheme 2023. Collection method: clinical testing. Allele origin: germline.
Comment: The p.L359* pathogenic mutation (also known as c.1076T>A), located in coding exon 10 of the PMS2 gene, results from a T to A substitution at nucleotide position 1076. This changes the amino acid from a leucine to a stop codon within coding exon 10. This variant is considered to be rare based on population cohorts in the Genome Aggregation Database (gnomAD). This alteration is expected to result in loss of function by premature protein truncation or nonsense-mediated mRNA decay. As such, this alteration is interpreted as a disease-causing mutation.

NM_000535.7(PMS2):c.1076T>A (p.Leu359Ter)

Gene: PMS2 (PMS1 homolog 2, mismatch repair system component; minus strand). Cytogenetic location: 7p22.1.
Variant type: single nucleotide variant.
Coding change: c.1076T>A on transcript NM_000535.7 (MANE Select); coding-DNA position 1076, T replaced by A.
Protein change: p.Leu359Ter; replaces leucine 359 with a stop codon.
Molecular consequence: nonsense. On other transcripts: non-coding transcript variant (1), intron variant (10).
Genome position (GRCh38, 1-based): chr7:5,989,868, A>T on the plus strand (T>A on the coding strand, the complement: PMS2 is on the minus strand). VCF-style: chr7-5989868-A-T. GRCh37 (hg19) VCF-style: chr7-6029499-A-T.
Other names: c.671T>A, p.Leu224Ter (NM_001322003.2, NM_001322004.2, NM_001322005.2 and 16 more transcripts); c.758T>A, p.Leu253Ter (NM_001322007.2, NM_001322008.2, NM_001406876.1 and 2 more transcripts); c.143T>A, p.Leu48Ter (NM_001322011.2, NM_001322012.2); c.503T>A, p.Leu168Ter (NM_001322013.2, NM_001406909.1); c.1076T>A, p.Leu359Ter (NM_001322014.2, NM_001406871.1, NM_001406872.1); c.767T>A, p.Leu256Ter (NM_001322015.2, NM_001406875.1, NM_001406877.1 and 5 more transcripts); c.1262T>A, p.Leu421Ter (NM_001406866.1); c.1100T>A, p.Leu367Ter (NM_001406868.1); and 13 more; short protein forms L237*, L253*, L256*, L367*, L188*, L247*, L323*, L303*.
Identifiers: ClinVar variation 3421513 (VCV003421513.1).